The following is an entry in ClinVar:

NM_000089.4(COL1A2):c.727G>A (p.Val243Met)

Gene: COL1A2 (collagen type I alpha 2 chain; plus strand). Cytogenetic location: 7q21.3.
Variant type: single nucleotide variant.
Coding change: c.727G>A on transcript NM_000089.4 (MANE Select); coding-DNA position 727, G replaced by A.
Protein change: p.Val243Met; replaces valine 243 with methionine.
Molecular consequence: missense variant.
Genome position (GRCh38, 1-based): chr7:94,408,369, G>A. VCF-style: chr7-94408369-G-A. GRCh37 (hg19) VCF-style: chr7-94037681-G-A.
Other names: c.727G>A (NM_000089.3); short protein forms V243M.
Identifiers: ClinVar variation 1019664 (VCV001019664.11), dbSNP rs764373659, ClinGen allele CA4346791.

ClinVar aggregate classification (germline): Uncertain significance. Review status: criteria provided, multiple submitters, no conflicts (2 of 4 stars). 2 submissions from 2 submitters: Uncertain significance (2). Last evaluated 2025-12-08.

Conditions:
Osteogenesis imperfecta type I (OI1). Also called: OI, TYPE I; OSTEOGENESIS IMPERFECTA TARDA; OSTEOGENESIS IMPERFECTA WITH BLUE SCLERAE; Osteogenesis imperfecta type 1; Classic Non-deforming Osteogenesis Imperfecta with Blue Sclerae; Lobstein's Disease. Identifiers: Orphanet 216796, Orphanet 666, MedGen C0023931, MONDO:0008146, OMIM 166200. Disease mechanism: loss of function.
Ehlers-Danlos syndrome, classic type, 1 (EDSCL1). Also called: EHLERS-DANLOS SYNDROME, GRAVIS TYPE; EHLERS-DANLOS SYNDROME, SEVERE CLASSIC TYPE; EDS I; Ehlers-Danlos Syndrome, Classic Type, COL5A1-Related; Ehlers-Danlos syndrome, type 1. Identifiers: MedGen C0268335, MONDO:0019567, OMIM 130000.
Cardiovascular phenotype. Identifiers: MedGen CN230736.

Allele frequency attached by ClinVar (database versions not stated): gnomAD 0.00004 and 0.00003; TOPMed 0.00002.

Submissions (2):

Ambry Genetics
Classification: Uncertain significance for Cardiovascular phenotype. Last evaluated: 2025-12-08. Review status: criteria provided, single submitter. Criteria: Ambry Variant Classification Scheme 2023. Collection method: clinical testing. Allele origin: germline.

Labcorp Genetics (formerly Invitae), Labcorp
Classification: Uncertain significance for Osteogenesis imperfecta type I; Ehlers-Danlos syndrome, classic type, 1. Last evaluated: 2025-07-28. Review status: criteria provided, single submitter. Criteria: Invitae Variant Classification Sherloc (09022015). Collection method: clinical testing. Allele origin: germline.
Comment: This sequence change replaces valine, which is neutral and non-polar, with methionine, which is neutral and non-polar, at codon 243 of the COL1A2 protein (p.Val243Met). This variant is present in population databases (rs764373659, gnomAD 0.02%). This variant has not been reported in the literature in individuals affected with COL1A2-related conditions. ClinVar contains an entry for this variant (Variation ID: 1019664). Invitae Evidence Modeling of protein sequence and biophysical properties (such as structural, functional, and spatial information, amino acid conservation, physicochemical variation, residue mobility, and thermodynamic stability) indicates that this missense variant is not expected to disrupt COL1A2 protein function with a negative predictive value of 95%. In summary, the available evidence is currently insufficient to determine the role of this variant in disease. Therefore, it has been classified as a Variant of Uncertain Significance.